The following is an entry in ClinVar:

NM_001036.6(RYR3):c.2770A>G (p.Thr924Ala)

Gene: RYR3 (ryanodine receptor 3; plus strand). Cytogenetic location: 15q14.
Variant type: single nucleotide variant.
Coding change: c.2770A>G on transcript NM_001036.6 (MANE Select); coding-DNA position 2770, A replaced by G.
Protein change: p.Thr924Ala; replaces threonine 924 with alanine.
Molecular consequence: missense variant.
Genome position (GRCh38, 1-based): chr15:33,630,030, A>G. VCF-style: chr15-33630030-A-G. GRCh37 (hg19) VCF-style: chr15-33922231-A-G.
Other names: c.2770A>G, p.Thr924Ala (NM_001243996.4); c.2770A>G (NM_001036.3); short protein forms T924A.
Identifiers: ClinVar variation 461897 (VCV000461897.16), dbSNP rs199638420, ClinGen allele CA7458524.

ClinVar aggregate classification (germline): Conflicting classifications of pathogenicity. Review status: criteria provided, conflicting classifications (1 of 4 stars). 5 submissions from 5 submitters: Uncertain significance (2); Likely benign (2). 1 of the submissions does not count toward it. Last evaluated 2026-08-06.

Conditions:
Congenital myopathy 20 (CMYO20). Identifiers: MedGen C5830393, MONDO:0957215, OMIM 620310.
RYR3-related disorder. Also called: RYR3-related condition.
Epileptic encephalopathy. Identifiers: MedGen C0543888, HP:0200134.

Allele frequency attached by ClinVar (database versions not stated): ESP Exome Variant Server 0.00025; ExAC 0.00080; 1000 Genomes Project 0.00060; gnomAD exomes 0.00063 and 0.00042; gnomAD 0.00060 and 0.00063; 1000 Genomes Project 30x 0.00062; TOPMed 0.00068.
gnomAD v4.1: 735 of 1,589,930 alleles (0.046%); highest among the groups gnomAD compares: Middle Eastern, 0.32%; no homozygotes.

Submissions (5):

OLLIN Analises Genomicas, OLLIN
Classification: Uncertain significance for Congenital myopathy 20. Last evaluated: 2026-08-06. Review status: criteria provided, single submitter. Criteria: ACMG Guidelines 2015 PMID 25741868. Collection method: clinical testing. Allele origin: germline. Inheritance: Autosomal recessive inheritance.
Comment: This missense variant, located in exon 22 (of 104), has been reported in ClinVar (accession VCV000461897.15) and in gnomAD with an allele frequency of 0.046%. However, to our knowledge, it has not been reported in the scientific literature. In silico analysis is inconclusive regarding the impact of this variant. According to the currently available evidence, this variant has been classified as uncertain significance (PM2_P).

Labcorp Genetics (formerly Invitae), Labcorp
Classification: Likely benign for Epileptic encephalopathy. Last evaluated: 2024-10-29. Review status: criteria provided, single submitter. Criteria: Invitae Variant Classification Sherloc (09022015). Collection method: clinical testing. Allele origin: germline.

Ambry Genetics
Classification: Uncertain significance. Last evaluated: 2021-06-11. Review status: criteria provided, single submitter. Criteria: Ambry Variant Classification Scheme 2023. Collection method: clinical testing. Allele origin: germline.

Breakthrough Genomics
Classification: Likely benign. Review status: criteria provided, single submitter. Criteria: ACMG Guidelines, 2015. Collection method: not provided. Allele origin: germline. Inheritance: Unknown mechanism. Affected: yes.

PreventionGenetics, part of Exact Sciences
Classification: Likely benign for RYR3-related condition. Last evaluated: 2021-01-12. Review status: no assertion criteria provided. Collection method: clinical testing. Allele origin: germline. Not counted in ClinVar's aggregate classification.
Comment: This variant is classified as likely benign based on ACMG/AMP sequence variant interpretation guidelines (Richards et al. 2015 PMID: 25741868, with internal and published modifications).